The following is an entry in ClinVar:

ClinVar aggregate classification (germline): Uncertain significance. Review status: criteria provided, multiple submitters, no conflicts (2 of 4 stars). 2 submissions from 2 submitters: Uncertain significance (2). Last evaluated 2026-09-01.

Allele frequency attached by ClinVar (database versions not stated): gnomAD 0.00004; TOPMed 0.00009.
gnomAD v4.1: 59 of 1,612,918 alleles (0.0037%); highest among the groups gnomAD compares: Admixed American, 0.048%; no homozygotes.

Submissions (2):

CeGaT Center for Human Genetics Tuebingen
Classification: Uncertain significance. Last evaluated: 2026-09-01. Review status: criteria provided, single submitter. Criteria: CeGaT Center For Human Genetics Tuebingen Variant Classification Criteria Version 2. Collection method: clinical testing. Allele origin: germline. Affected: yes. Observed: 1 variant allele.

Labcorp Genetics (formerly Invitae), Labcorp
Classification: Uncertain significance. Last evaluated: 2021-11-14. Review status: criteria provided, single submitter. Criteria: Invitae Variant Classification Sherloc (09022015). Collection method: clinical testing. Allele origin: germline.
Comment: This sequence change replaces arginine, which is basic and polar, with glutamine, which is neutral and polar, at codon 1373 of the CASZ1 protein (p.Arg1373Gln). This variant is present in population databases (rs747059584, gnomAD 0.07%), and has an allele count higher than expected for a pathogenic variant. This variant has not been reported in the literature in individuals affected with CASZ1-related conditions. Algorithms developed to predict the effect of missense changes on protein structure and function are either unavailable or do not agree on the potential impact of this missense change (SIFT: "Deleterious"; PolyPhen-2: "Probably Damaging"; Align-GVGD: "Class C0"). In summary, the available evidence is currently insufficient to determine the role of this variant in disease. Therefore, it has been classified as a Variant of Uncertain Significance.

NM_001079843.3(CASZ1):c.4118G>A (p.Arg1373Gln)

Gene: CASZ1 (castor zinc finger 1; minus strand). Cytogenetic location: 1p36.22.
Variant type: single nucleotide variant.
Coding change: c.4118G>A on transcript NM_001079843.3 (MANE Select); coding-DNA position 4118, G replaced by A.
Protein change: p.Arg1373Gln; replaces arginine 1373 with glutamine.
Molecular consequence: missense variant.
Genome position (GRCh38, 1-based): chr1:10,642,903, C>T on the plus strand (G>A on the coding strand, the complement: CASZ1 is on the minus strand). VCF-style: chr1-10642903-C-T. GRCh37 (hg19) VCF-style: chr1-10702960-C-T.
Other names: short protein forms R1373Q.
Identifiers: ClinVar variation 1397217 (VCV001397217.7), dbSNP rs747059584, ClinGen allele CA584283.